The following is an entry in ClinVar:

NM_001873.4(CPE):c.802G>A (p.Glu268Lys)

Gene: CPE (carboxypeptidase E; plus strand). Cytogenetic location: 4q32.3.
Variant type: single nucleotide variant.
Coding change: c.802G>A on transcript NM_001873.4 (MANE Select); coding-DNA position 802, G replaced by A.
Protein change: p.Glu268Lys; replaces glutamic acid 268 with lysine.
Molecular consequence: missense variant.
Genome position (GRCh38, 1-based): chr4:165,484,433, G>A. VCF-style: chr4-165484433-G-A. GRCh37 (hg19) VCF-style: chr4-166405585-G-A.
Other names: short protein forms E268K.
Identifiers: ClinVar variation 4986352 (VCV004986352.1).

ClinVar aggregate classification (germline): Uncertain significance (1 of 4 stars; one submission).

Conditions:
CPE-related disorder. Also called: CPE-related condition.

gnomAD v4.1: 19 of 1,613,628 alleles (0.0012%); highest among the groups gnomAD compares: South Asian, 0.0044%; no homozygotes.

Submission:

PreventionGenetics, part of Exact Sciences
Classification: Uncertain significance for CPE-related condition. Last evaluated: 2026-05-21. Review status: criteria provided, single submitter. Criteria: ACMG Guidelines, 2015. Collection method: clinical testing. Allele origin: germline.
Comment: The CPE c.802G>A variant is predicted to result in the amino acid substitution p.Glu268Lys. To our knowledge, this variant has not been reported in the literature. This variant is reported in 0.0065% of alleles in individuals of South Asian descent in gnomAD. At this time, the clinical significance of this variant is uncertain due to the absence of conclusive functional and genetic evidence.